The following is an entry in ClinVar:

NM_001358921.2(COQ2):c.-23C>T

Genes: COQ2 (coenzyme Q2, polyprenyltransferase; minus strand), LOC112997540 (Sharpr-MPRA regulatory region 13773; plus strand). Cytogenetic location: 4q21.23.
Variant type: single nucleotide variant.
Coding change: c.-23C>T on transcript NM_001358921.2 (MANE Select); 23 bases upstream of the start codon, C replaced by T.
Molecular consequence: 5 prime UTR variant. On other transcripts: missense variant (1).
Genome position (GRCh38, 1-based): chr4:83,284,787, G>A on the plus strand (C>T on the coding strand, the complement: COQ2 is on the minus strand). VCF-style: chr4-83284787-G-A. GRCh37 (hg19) VCF-style: chr4-84205940-G-A.
Other names: c.128C>T (NM_015697.8); c.128C>T, p.Ala43Val (NM_015697.9); short protein forms A43V.
Identifiers: ClinVar variation 2038760 (VCV002038760.4), dbSNP rs368891722, ClinGen allele CA357231293.

ClinVar aggregate classification (germline): Uncertain significance. Review status: criteria provided, multiple submitters, no conflicts (2 of 4 stars). 2 submissions from 2 submitters: Uncertain significance (2). Last evaluated 2026-01-26.

Conditions:
Coenzyme Q10 deficiency, primary, 1. Also called: UBIQUINONE DEFICIENCY 1; COENZYME Q DEFICIENCY 1; CoQ DEFICIENCY 1. Identifiers: Orphanet 255249, MedGen C3551954, MONDO:0011829, OMIM 607426.
Multiple system atrophy 1, susceptibility to. Also called: MSA1, SUSCEPTIBILITY TO. Identifiers: MedGen C3714927, MONDO:0020715, OMIM 146500.

gnomAD v4.1: 8 of 1,566,996 alleles (0.00051%); highest among the groups gnomAD compares: African/African-American, 0.0054%; no homozygotes.

Submissions (2):

Labcorp Genetics (formerly Invitae), Labcorp
Classification: Uncertain significance. Last evaluated: 2026-01-26. Review status: criteria provided, single submitter. Criteria: Invitae Variant Classification Sherloc (09022015). Collection method: clinical testing. Allele origin: germline.
Comment: This sequence change replaces alanine, which is neutral and non-polar, with valine, which is neutral and non-polar, at codon 43 of the COQ2 protein (p.Ala43Val). This variant is not present in population databases (gnomAD no frequency). This variant has not been reported in the literature in individuals affected with COQ2-related conditions. ClinVar contains an entry for this variant (Variation ID: 2038760). An algorithm developed to predict the effect of missense changes on protein structure and function (PolyPhen-2) suggests that this variant is likely to be tolerated. In summary, the available evidence is currently insufficient to determine the role of this variant in disease. Therefore, it has been classified as a Variant of Uncertain Significance.

Fulgent Genetics
Classification: Uncertain significance for Multiple system atrophy 1, susceptibility to; Coenzyme Q10 deficiency, primary, 1. Last evaluated: 2024-06-09. Review status: criteria provided, single submitter. Criteria: ACMG Guidelines, 2015. Collection method: clinical testing. Allele origin: germline.